The following is an entry in ClinVar:

ClinVar aggregate classification (germline): Conflicting classifications of pathogenicity. Review status: criteria provided, conflicting classifications (1 of 4 stars). 6 submissions from 6 submitters: Uncertain significance (4); Likely benign (2). Last evaluated 2025-09-19.

Conditions:
Cardiovascular phenotype. Identifiers: MedGen CN230736.
Dilated cardiomyopathy 1HH (CMD1HH). Identifiers: Orphanet 154, MedGen C3151293, MONDO:0013479, OMIM 613881.
Myofibrillar myopathy 6. Identifiers: Orphanet 199340, MedGen C2751831, MONDO:0013061, OMIM 612954.

Allele frequency attached by ClinVar (database versions not stated): ExAC 0.00002; gnomAD 0.00003 and 0.00005; gnomAD exomes 0.00003; TOPMed 0.00003; 1000 Genomes Project 30x 0.00016; 1000 Genomes Project 0.00020.

Submissions (6):

Mayo Clinic Laboratories, Mayo Clinic
Classification: Uncertain significance. Last evaluated: 2025-09-19. Review status: criteria provided, single submitter. Criteria: ACMG Guidelines, 2015. Collection method: clinical testing. Allele origin: germline. Observed: 1 variant allele.
Comment: BP4

Labcorp Genetics (formerly Invitae), Labcorp
Classification: Uncertain significance for Dilated cardiomyopathy 1HH; Myofibrillar myopathy 6. Last evaluated: 2025-07-21. Review status: criteria provided, single submitter. Criteria: Invitae Variant Classification Sherloc (09022015). Collection method: clinical testing. Allele origin: germline.
Comment: This sequence change replaces arginine, which is basic and polar, with tryptophan, which is neutral and slightly polar, at codon 261 of the BAG3 protein (p.Arg261Trp). This variant is present in population databases (rs548032105, gnomAD 0.02%). This missense change has been observed in individual(s) with BAG3-related conditions (internal data). ClinVar contains an entry for this variant (Variation ID: 162779). Invitae Evidence Modeling of protein sequence and biophysical properties (such as structural, functional, and spatial information, amino acid conservation, physicochemical variation, residue mobility, and thermodynamic stability) indicates that this missense variant is not expected to disrupt BAG3 protein function with a negative predictive value of 80%. In summary, the available evidence is currently insufficient to determine the role of this variant in disease. Therefore, it has been classified as a Variant of Uncertain Significance.

Ambry Genetics
Classification: Uncertain significance for Cardiovascular phenotype. Last evaluated: 2025-04-06. Review status: criteria provided, single submitter. Criteria: Ambry Variant Classification Scheme 2023. Collection method: clinical testing. Allele origin: germline.
Comment: The p.R261W variant (also known as c.781C>T), located in coding exon 3 of the BAG3 gene, results from a C to T substitution at nucleotide position 781. The arginine at codon 261 is replaced by tryptophan, an amino acid with dissimilar properties. This variant was detected in an individual with hypertrophic cardiomyopathy (HCM) who had variants in other cardiac genes (Forleo C et al. PLoS ONE, 2017 Jul;12:e0181842). This amino acid position is not well conserved in available vertebrate species. In addition, this alteration is predicted to be tolerated by in silico analysis. Since supporting evidence is limited at this time, the clinical significance of this alteration remains unclear.

GeneDx
Classification: Uncertain significance. Last evaluated: 2025-03-24. Review status: criteria provided, single submitter. Criteria: GeneDx Variant Classification Process June 2021. Collection method: clinical testing. Allele origin: germline. Affected: yes.
Comment: In silico analysis supports that this missense variant has a deleterious effect on protein structure/function; Has not been previously published as pathogenic or benign to our knowledge

Blueprint Genetics
Classification: Likely benign. Last evaluated: 2024-09-09. Review status: criteria provided, single submitter. Criteria: ACMG Guidelines, 2015. Collection method: clinical testing. Allele origin: germline.

Laboratory for Molecular Medicine, Mass General Brigham Personalized Medicine
Classification: Likely benign. Last evaluated: 2014-04-24. Review status: criteria provided, single submitter. Criteria: LMM Criteria. Collection method: clinical testing. Allele origin: germline. Observed: 3 variant alleles.
Comment: Arg261Trp in exon 3 of BAG3: This variant is not expected to have clinical signi ficance due to a lack of conservation across species, including mammals. Of note , 9 mammals have a tryptophan (Trp) at this position despite high nearby amino a cid conservation. In addition, computational prediction tools do not suggest a h igh likelihood of impact to the protein.

Literature cited by the submitters: PubMed 28750076 (cited by Mayo Clinic Laboratories, Mayo Clinic and Ambry Genetics); PubMed 31983221 (cited by Mayo Clinic Laboratories, Mayo Clinic).

NM_004281.4(BAG3):c.781C>T (p.Arg261Trp)

Gene: BAG3 (BAG cochaperone 3; plus strand). Cytogenetic location: 10q26.11.
Variant type: single nucleotide variant.
Coding change: c.781C>T on transcript NM_004281.4 (MANE Select); coding-DNA position 781, C replaced by T.
Protein change: p.Arg261Trp; replaces arginine 261 with tryptophan.
Molecular consequence: missense variant.
Genome position (GRCh38, 1-based): chr10:119,672,528, C>T. VCF-style: chr10-119672528-C-T. GRCh37 (hg19) VCF-style: chr10-121432040-C-T.
Other names: short protein forms R261W.
Identifiers: ClinVar variation 162779 (VCV000162779.17), dbSNP rs548032105, ClinGen allele CA175297.
Genomic context (GRCh38, chr10:119,672,528, plus strand): 5'-CAGACCCACCAGCCTGTGTACCACAAGATCCAGGGGGATGACTGGGAGCCCCGGCCCCTG[C>T]GGGCGGCATCCCCGTTCAGGTCATCTGTCCAGGGTGCATCGAGCCGGGAGGGCTCACCAG-3'
Protein context (NP_004272.2, residues 251-271): QGDDWEPRPL[Arg261Trp]AASPFRSSVQ